The following is an entry in ClinVar:

ClinVar aggregate classification (germline): Uncertain significance. Review status: criteria provided, multiple submitters, no conflicts (2 of 4 stars). 2 submissions from 2 submitters: Uncertain significance (2). Last evaluated 2022-08-30.

Conditions:
Dilated cardiomyopathy 1DD (CMD1DD). Identifiers: Orphanet 154, MedGen C2750995, MONDO:0013168, OMIM 613172.
Cardiovascular phenotype. Identifiers: MedGen CN230736.

Allele frequency attached by ClinVar (database versions not stated): TOPMed below 0.00001.

Submissions (2):

Ambry Genetics
Classification: Uncertain significance for Cardiovascular phenotype. Last evaluated: 2022-08-30. Review status: criteria provided, single submitter. Criteria: Ambry Variant Classification Scheme 2023. Collection method: clinical testing. Allele origin: germline.
Comment: The p.D769G variant (also known as c.2306A>G), located in coding exon 9 of the RBM20 gene, results from an A to G substitution at nucleotide position 2306. The aspartic acid at codon 769 is replaced by glycine, an amino acid with similar properties. This amino acid position is conserved. In addition, the in silico prediction for this alteration is inconclusive. Since supporting evidence is limited at this time, the clinical significance of this alteration remains unclear.

Labcorp Genetics (formerly Invitae), Labcorp
Classification: Uncertain significance for Dilated cardiomyopathy 1DD. Last evaluated: 2022-02-12. Review status: criteria provided, single submitter. Criteria: Invitae Variant Classification Sherloc (09022015). Collection method: clinical testing. Allele origin: germline.
Comment: This sequence change replaces aspartic acid, which is acidic and polar, with glycine, which is neutral and non-polar, at codon 769 of the RBM20 protein (p.Asp769Gly). This variant is not present in population databases (gnomAD no frequency). This variant has not been reported in the literature in individuals affected with RBM20-related conditions. Advanced modeling of protein sequence and biophysical properties (such as structural, functional, and spatial information, amino acid conservation, physicochemical variation, residue mobility, and thermodynamic stability) performed at Invitae indicates that this missense variant is not expected to disrupt RBM20 protein function. In summary, the available evidence is currently insufficient to determine the role of this variant in disease. Therefore, it has been classified as a Variant of Uncertain Significance.

NM_001134363.3(RBM20):c.2306A>G (p.Asp769Gly)

Gene: RBM20 (RNA binding motif protein 20; plus strand). Cytogenetic location: 10q25.2.
Variant type: single nucleotide variant.
Coding change: c.2306A>G on transcript NM_001134363.3 (MANE Select); coding-DNA position 2306, A replaced by G.
Protein change: p.Asp769Gly; replaces aspartic acid 769 with glycine.
Molecular consequence: missense variant.
Genome position (GRCh38, 1-based): chr10:110,812,703, A>G. VCF-style: chr10-110812703-A-G. GRCh37 (hg19) VCF-style: chr10-112572461-A-G.
Other names: short protein forms D769G.
Identifiers: ClinVar variation 1789355 (VCV001789355.7), dbSNP rs949711208, ClinGen allele CA213224198.